The following is an entry in ClinVar:

ClinVar aggregate classification (germline): Uncertain significance. Review status: criteria provided, multiple submitters, no conflicts (2 of 4 stars). 2 submissions from 2 submitters: Uncertain significance (2). Last evaluated 2025-01-08.

Conditions:
Charcot-Marie-Tooth disease axonal type 2C (HMSN2C). Also called: Charcot-Marie-Tooth Disease Type 2, TRPV4-Related (CMT2C); CHARCOT-MARIE-TOOTH DISEASE, AXONAL, AUTOSOMAL DOMINANT, TYPE 2C; Charcot-Marie-Tooth Neuropathy Type 2C. Identifiers: Orphanet 99937, MedGen C1853710, MONDO:0011633, OMIM 606071.

Allele frequency attached by ClinVar (database versions not stated): gnomAD exomes below 0.00001.
gnomAD v4.1: 2 of 1,614,088 alleles (0.00012%); highest among the groups gnomAD compares: Non-Finnish European, 0.00017%; no homozygotes.

Submissions (2):

Labcorp Genetics (formerly Invitae), Labcorp
Classification: Uncertain significance for Charcot-Marie-Tooth disease axonal type 2C. Last evaluated: 2025-01-08. Review status: criteria provided, single submitter. Criteria: Invitae Variant Classification Sherloc (09022015). Collection method: clinical testing. Allele origin: germline.
Comment: This sequence change falls in intron 15 of the TRPV4 gene. It does not directly change the encoded amino acid sequence of the TRPV4 protein. It affects a nucleotide within the consensus splice site. This variant is not present in population databases (gnomAD no frequency). This variant has not been reported in the literature in individuals affected with TRPV4-related conditions. ClinVar contains an entry for this variant (Variation ID: 1061318). Variants that disrupt the consensus splice site are a relatively common cause of aberrant splicing (PMID: 17576681, 9536098). Algorithms developed to predict the effect of sequence changes on RNA splicing suggest that this variant is not likely to affect RNA splicing. In summary, the available evidence is currently insufficient to determine the role of this variant in disease. Therefore, it has been classified as a Variant of Uncertain Significance.

GeneDx
Classification: Uncertain significance. Last evaluated: 2023-12-21. Review status: criteria provided, single submitter. Criteria: GeneDx Variant Classification Process June 2021. Collection method: clinical testing. Allele origin: germline. Affected: yes.
Comment: Not observed at significant frequency in large population cohorts (gnomAD); Has not been previously published as pathogenic or benign to our knowledge; In silico analysis is inconclusive as to whether the variant alters gene splicing. In the absence of RNA/functional studies, the actual effect of this sequence change is unknown.

Literature cited by the submitters: PubMed 17576681 (cited by Labcorp Genetics (formerly Invitae), Labcorp); PubMed 9536098 (cited by Labcorp Genetics (formerly Invitae), Labcorp).

NM_021625.5(TRPV4):c.2458+4A>C

Gene: TRPV4 (transient receptor potential cation channel subfamily V member 4; minus strand). Cytogenetic location: 12q24.11.
Variant type: single nucleotide variant.
Coding change: c.2458+4A>C on transcript NM_021625.5 (MANE Select); 4 bases into the intron after coding-DNA position 2458, A replaced by C.
Molecular consequence: intron variant.
Genome position (GRCh38, 1-based): chr12:109,784,312, T>G on the plus strand (A>C on the coding strand, the complement: TRPV4 is on the minus strand). VCF-style: chr12-109784312-T-G. GRCh37 (hg19) VCF-style: chr12-110222117-T-G.
Other names: c.2137+4A>C (NM_001177433.1); c.2317+4A>C (NM_001177428.1); c.2278+4A>C (NM_147204.2); c.2356+4A>C (NM_001177431.1).
Identifiers: ClinVar variation 1061318 (VCV001061318.8), dbSNP rs2136416943, ClinGen allele CA2499221428.